The following is an entry in ClinVar:

NM_005751.5(AKAP9):c.3041_3044del (p.Thr1014fs)

Gene: AKAP9 (A-kinase anchoring protein 9; plus strand). Cytogenetic location: 7q21.2.
Variant type: Deletion.
Coding change: c.3041_3044del on transcript NM_005751.5 (MANE Select); coding-DNA positions 3041 to 3044, 4 bases deleted (CTCA; older notation c.3041_3044delCTCA).
Protein change: p.Thr1014fs; shifts the reading frame from threonine 1014.
Molecular consequence: frameshift variant.
Genome position (GRCh38, 1-based): chr7:92,002,958-92,002,961, CTCA deleted; deleting any 4 consecutive bases within chr7:92,002,957-92,002,961 gives the same sequence; the c. name uses the placement nearest the transcript's 3' end. VCF-style (leftmost placement, unchanged base first): chr7-92002956-TACTC-T. GRCh37 (hg19) VCF-style: chr7-91632270-TACTC-T.
Other names: c.3041_3044del, p.Thr1014fs (NM_147185.3); short protein forms T1014fs.
Identifiers: ClinVar variation 2087173 (VCV002087173.4), dbSNP rs1334275883, ClinGen allele CA843818645.

ClinVar aggregate classification (germline): Uncertain significance (1 of 4 stars; one submission).

Conditions:
Long QT syndrome (LQTS). Identifiers: MedGen C0023976, MeSH D008133, MONDO:0002442. Disease mechanism: loss of function. Inheritance: Various modes of inheritance.

Submission:

Labcorp Genetics (formerly Invitae), Labcorp
Classification: Uncertain significance for Long QT syndrome. Last evaluated: 2022-01-17. Review status: criteria provided, single submitter. Criteria: Invitae Variant Classification Sherloc (09022015). Collection method: clinical testing. Allele origin: germline.
Comment: This sequence change creates a premature translational stop signal (p.Thr1014Lysfs*2) in the AKAP9 gene. It is expected to result in an absent or disrupted protein product. However, the current clinical and genetic evidence is not sufficient to establish whether loss-of-function variants in AKAP9 cause disease. In summary, the available evidence is currently insufficient to determine the role of this variant in disease. Therefore, it has been classified as a Variant of Uncertain Significance. This variant has not been reported in the literature in individuals affected with AKAP9-related conditions. This variant is not present in population databases (gnomAD no frequency).